The following is an entry in ClinVar:

NM_017617.5(NOTCH1):c.2484G>A (p.Val828=)

Gene: NOTCH1 (notch receptor 1; minus strand). Cytogenetic location: 9q34.3.
Variant type: single nucleotide variant.
Coding change: c.2484G>A on transcript NM_017617.5 (MANE Select); coding-DNA position 2484, G replaced by A.
Protein change: p.Val828=; no amino-acid change (valine 828 retained).
Molecular consequence: synonymous variant.
Genome position (GRCh38, 1-based): chr9:136,511,255, C>T on the plus strand (G>A on the coding strand, the complement: NOTCH1 is on the minus strand). VCF-style: chr9-136511255-C-T. GRCh37 (hg19) VCF-style: chr9-139405707-C-T.
Other names: p.Val828=.
Identifiers: ClinVar variation 4683470 (VCV004683470.1).

ClinVar aggregate classification (germline): Likely benign (1 of 4 stars; one submission).

gnomAD v4.1: 1 of 1,612,246 alleles (0.000062%); highest among the groups gnomAD compares: Non-Finnish European, 0.000085%; no homozygotes.

Submission:

Mayo Clinic Laboratories, Mayo Clinic
Classification: Likely benign. Last evaluated: 2024-10-22. Review status: criteria provided, single submitter. Criteria: ACMG Guidelines, 2015. Collection method: clinical testing. Allele origin: germline. Observed: 1 variant allele.
Comment: BP4, BP7